The following is an entry in ClinVar:

NM_007078.3(LDB3):c.61A>G (p.Lys21Glu)

Gene: LDB3 (LIM domain binding 3; plus strand). Cytogenetic location: 10q23.2.
Variant type: single nucleotide variant.
Coding change: c.61A>G on transcript NM_007078.3 (MANE Select); coding-DNA position 61, A replaced by G.
Protein change: p.Lys21Glu; replaces lysine 21 with glutamic acid.
Molecular consequence: missense variant.
Genome position (GRCh38, 1-based): chr10:86,668,752, A>G. VCF-style: chr10-86668752-A-G. GRCh37 (hg19) VCF-style: chr10-88428509-A-G.
Other names: c.61A>G, p.Lys21Glu (NM_001080116.1, NM_001080114.2, NM_001080115.2 and 8 more transcripts); short protein forms K21E.
Identifiers: ClinVar variation 3661342 (VCV003661342.2).

ClinVar aggregate classification (germline): Uncertain significance (1 of 4 stars; one submission).

Conditions:
Myofibrillar myopathy 4. Also called: Zaspopathy (type). Identifiers: Orphanet 98912, MedGen C4721886, MONDO:0012277, OMIM 609452.

Submission:

Labcorp Genetics (formerly Invitae), Labcorp
Classification: Uncertain significance for Myofibrillar myopathy 4. Last evaluated: 2024-08-04. Review status: criteria provided, single submitter. Criteria: Invitae Variant Classification Sherloc (09022015). Collection method: clinical testing. Allele origin: germline.
Comment: This sequence change replaces lysine, which is basic and polar, with glutamic acid, which is acidic and polar, at codon 21 of the LDB3 protein (p.Lys21Glu). This variant is not present in population databases (gnomAD no frequency). This variant has not been reported in the literature in individuals affected with LDB3-related conditions. An algorithm developed to predict the effect of missense changes on protein structure and function (PolyPhen-2) suggests that this variant is likely to be disruptive. In summary, the available evidence is currently insufficient to determine the role of this variant in disease. Therefore, it has been classified as a Variant of Uncertain Significance.